The following is an entry in ClinVar:

NM_032119.4(ADGRV1):c.12078A>C (p.Gln4026His)

Gene: ADGRV1 (adhesion G protein-coupled receptor V1; plus strand). Cytogenetic location: 5q14.3.
Variant type: single nucleotide variant.
Coding change: c.12078A>C on transcript NM_032119.4 (MANE Select); coding-DNA position 12078, A replaced by C.
Protein change: p.Gln4026His; replaces glutamine 4026 with histidine.
Molecular consequence: missense variant. On other transcripts: non-coding transcript variant (1).
Genome position (GRCh38, 1-based): chr5:90,759,546, A>C. VCF-style: chr5-90759546-A-C. GRCh37 (hg19) VCF-style: chr5-90055363-A-C.
Other names: short protein forms Q4026H.
Identifiers: ClinVar variation 1487011 (VCV001487011.6), dbSNP rs1254271837, ClinGen allele CA360374291.

ClinVar aggregate classification (germline): Uncertain significance (1 of 4 stars; one submission).

Submission:

Labcorp Genetics (formerly Invitae), Labcorp
Classification: Uncertain significance. Last evaluated: 2021-08-19. Review status: criteria provided, single submitter. Criteria: Invitae Variant Classification Sherloc (09022015). Collection method: clinical testing. Allele origin: germline.
Comment: In summary, the available evidence is currently insufficient to determine the role of this variant in disease. Therefore, it has been classified as a Variant of Uncertain Significance. Algorithms developed to predict the effect of missense changes on protein structure and function are either unavailable or do not agree on the potential impact of this missense change (SIFT: "Deleterious"; PolyPhen-2: "Probably Damaging"; Align-GVGD: "Class C0"). This variant has not been reported in the literature in individuals affected with ADGRV1-related conditions. This variant is not present in population databases (ExAC no frequency). This sequence change replaces glutamine with histidine at codon 4026 of the ADGRV1 protein (p.Gln4026His). The glutamine residue is weakly conserved and there is a small physicochemical difference between glutamine and histidine.